The following is an entry in ClinVar:

ClinVar aggregate classification (germline): Likely pathogenic (1 of 4 stars; one submission).

Conditions:
Microcephalic primordial dwarfism, Alazami type. Also called: FACIAL DYSMORPHISM, INTELLECTUAL DISABILITY, AND PRIMORDIAL DWARFISM; Alazami syndrome. Identifiers: Orphanet 319671, MedGen C3554439, MONDO:0014031, OMIM 615071.

Submission:

Laboratorio de Genetica e Diagnostico Molecular, Hospital Israelita Albert Einstein
Classification: Likely pathogenic for Microcephalic primordial dwarfism, Alazami type. Last evaluated: 2024-12-06. Review status: criteria provided, single submitter. Criteria: ACMG Guidelines, 2015. Collection method: clinical testing. Allele origin: germline. Affected: yes.
Comment: ACMG classification criteria: PVS1 very strong, PM2 supporting

NM_016648.4(LARP7):c.182_185del (p.Ile61fs)

Gene: LARP7 (La ribonucleoprotein 7, transcriptional regulator; plus strand). Cytogenetic location: 4q25.
Variant type: Deletion.
Coding change: c.182_185del on transcript NM_016648.4 (MANE Select); coding-DNA positions 182 to 185, 4 bases deleted (TAGA; older notation c.182_185delTAGA).
Protein change: p.Ile61fs; shifts the reading frame from isoleucine 61.
Molecular consequence: frameshift variant. On other transcripts: intron variant (2).
Genome position (GRCh38, 1-based): chr4:112,644,851-112,644,854, TAGA deleted; deleting any 4 consecutive bases within chr4:112,644,848-112,644,854 gives the same sequence; the c. name uses the placement nearest the transcript's 3' end. VCF-style (leftmost placement, unchanged base first): chr4-112644847-CAGAT-C. GRCh37 (hg19) VCF-style: chr4-113566003-CAGAT-C.
Other names: c.182_185del, p.Ile61fs (NM_001267039.4, NM_001370974.1, NM_001370975.1 and 6 more transcripts); c.-36+83_-36+86del (NM_001370982.1, NM_001370981.1); short protein forms I61fs.
Identifiers: ClinVar variation 4056576 (VCV004056576.1).